The following is an entry in ClinVar:

ClinVar aggregate classification (germline): Uncertain significance. Review status: criteria provided, multiple submitters, no conflicts (2 of 4 stars). 2 submissions from 2 submitters: Uncertain significance (2). Last evaluated 2019-09-04.

Conditions:
Catecholaminergic polymorphic ventricular tachycardia 1. Also called: VENTRICULAR TACHYCARDIA, CATECHOLAMINERGIC POLYMORPHIC, 1, WITH OR WITHOUT ATRIAL DYSFUNCTION AND/OR DILATED CARDIOMYOPATHY; VENTRICULAR TACHYCARDIA, STRESS-INDUCED POLYMORPHIC 1; RYR2-Related Catecholaminergic Polymorphic Ventricular Tachycardia. Identifiers: Orphanet 3286, MedGen C1631597, MONDO:0011484, OMIM 604772.
Cardiomyopathy (CMYO). Also called: Cardiomyopathies. Identifiers: Orphanet 167848, MedGen C0878544, MONDO:0004994, HP:0001638. Inheritance: Various modes of inheritance.

Submissions (2):

Labcorp Genetics (formerly Invitae), Labcorp
Classification: Uncertain significance for Catecholaminergic polymorphic ventricular tachycardia 1. Last evaluated: 2019-09-04. Review status: criteria provided, single submitter. Criteria: Invitae Variant Classification Sherloc (09022015). Collection method: clinical testing. Allele origin: germline.
Comment: In summary, the available evidence is currently insufficient to determine the role of this variant in disease. Therefore, it has been classified as a Variant of Uncertain Significance. Algorithms developed to predict the effect of missense changes on protein structure and function (SIFT, PolyPhen-2, Align-GVGD) all suggest that this variant is likely to be disruptive, but these predictions have not been confirmed by published functional studies and their clinical significance is uncertain. This variant has not been reported in the literature in individuals with RYR2-related conditions. This variant is not present in population databases (ExAC no frequency). This sequence change replaces alanine with threonine at codon 2334 of the RYR2 protein (p.Ala2334Thr). The alanine residue is highly conserved and there is a small physicochemical difference between alanine and threonine.

CHEO Genetics Diagnostic Laboratory, Children's Hospital of Eastern Ontario
Classification: Uncertain significance for Cardiomyopathy. Last evaluated: 2017-11-30. Review status: criteria provided, single submitter. Criteria: ACMG Guidelines, 2015. Collection method: clinical testing. Allele origin: germline.

NM_001035.3(RYR2):c.7000G>A (p.Ala2334Thr)

Gene: RYR2 (ryanodine receptor 2; plus strand). Cytogenetic location: 1q43.
Variant type: single nucleotide variant.
Coding change: c.7000G>A on transcript NM_001035.3 (MANE Select); coding-DNA position 7000, G replaced by A.
Protein change: p.Ala2334Thr; replaces alanine 2334 with threonine.
Molecular consequence: missense variant.
Genome position (GRCh38, 1-based): chr1:237,639,086, G>A. VCF-style: chr1-237639086-G-A. GRCh37 (hg19) VCF-style: chr1-237802386-G-A.
Other names: short protein forms A2334T.
Identifiers: ClinVar variation 915530 (VCV000915530.13), dbSNP rs1681178084, ClinGen allele CA345395875.